The following is an entry in ClinVar:

NM_032638.5(GATA2):c.996dup (p.Ile333fs)

Gene: GATA2 (GATA binding protein 2; minus strand). Cytogenetic location: 3q21.3.
Variant type: Duplication.
Coding change: c.996dup on transcript NM_032638.5 (MANE Select); coding-DNA position 996, one base duplicated (C; older notation c.996dupC).
Protein change: p.Ile333fs; shifts the reading frame from isoleucine 333.
Molecular consequence: frameshift variant.
Genome position (GRCh38, 1-based): chr3:128,483,881, G duplicated on the plus strand (C on the coding strand, the reverse complement: GATA2 is on the minus strand). VCF-style (leftmost placement, unchanged base first): chr3-128483880-T-TG. GRCh37 (hg19) VCF-style: chr3-128202723-T-TG.
Other names: c.996dup, p.Ile333fs (NM_001145661.2, NM_001145662.1); short protein forms I333fs.
Identifiers: ClinVar variation 4852641 (VCV004852641.2).

ClinVar aggregate classification (germline): Likely pathogenic (1 of 4 stars; one submission).

Submission:

Dasa
Classification: Likely pathogenic. Last evaluated: 2025-08-05. Review status: criteria provided, single submitter. Criteria: DASA Assertion Criteria. Collection method: clinical testing. Allele origin: germline.
Comment: NM_032638.5(GATA2):c.996dup (p.Ile333Hisfs*51) is a frameshift variant in GATA2 predicted to alter the reading frame and introduce a premature termination codon and is predicted to result in an absent or altered protein product. Loss of function is an established disease mechanism for GATA2 (PMID: 21892158; PMID: 21670465; PMID: 22147895). Also, this variant is absent from population databases. Based on the currently available evidence, this variant is classified as likely pathogenic.

Literature cited by the submitters: PubMed 21892158; PubMed 21670465; PubMed 22147895.